The following is an entry in ClinVar:

NM_001378454.1(ALMS1):c.4593C>A (p.Gly1531=)

Gene: ALMS1 (ALMS1 centrosome and basal body associated protein; plus strand). Cytogenetic location: 2p13.1.
Variant type: single nucleotide variant.
Coding change: c.4593C>A on transcript NM_001378454.1 (MANE Select); coding-DNA position 4593, C replaced by A.
Protein change: p.Gly1531=; no amino-acid change (glycine 1531 retained).
Molecular consequence: synonymous variant.
Genome position (GRCh38, 1-based): chr2:73,451,120, C>A. VCF-style: chr2-73451120-C-A. GRCh37 (hg19) VCF-style: chr2-73678247-C-A.
Other names: c.4596C>A, p.Gly1532= (NM_015120.4).
Identifiers: ClinVar variation 3349505 (VCV003349505.1).

ClinVar aggregate classification (germline): Uncertain significance (0 of 4 stars; one submission).

Conditions:
ALMS1-related disorder. Also called: ALMS1-related condition.

Submission:

PreventionGenetics, part of Exact Sciences
Classification: Uncertain significance for ALMS1-related condition. Last evaluated: 2024-01-11. Review status: no assertion criteria provided. Collection method: clinical testing. Allele origin: germline.
Comment: The ALMS1 c.4596C>A variant is predicted to result in the amino acid substitution p.Phe1532Leu. To our knowledge, this variant has not been reported in the literature or in a large population database, indicating this variant is rare. At this time, the clinical significance of this variant is uncertain due to the absence of conclusive functional and genetic evidence.